The following is an entry in ClinVar:

NM_020338.4(ZMIZ1):c.3178del (p.Leu1060fs)

Gene: ZMIZ1 (zinc finger MIZ-type containing 1; plus strand). Cytogenetic location: 10q22.3.
Variant type: Deletion.
Coding change: c.3178del on transcript NM_020338.4 (MANE Select); coding-DNA position 3178, one base deleted (C; older notation c.3178delC).
Protein change: p.Leu1060fs; shifts the reading frame from leucine 1060.
Molecular consequence: frameshift variant.
Genome position (GRCh38, 1-based): chr10:79,312,723, C deleted; the last of 2 consecutive C bases (chr10:79,312,722-79,312,723); deleting either gives the same sequence. VCF-style (leftmost placement, unchanged base first): chr10-79312721-AC-A. GRCh37 (hg19) VCF-style: chr10-81072478-AC-A.
Other names: short protein forms L1060fs.
Identifiers: ClinVar variation 2633540 (VCV002633540.1), dbSNP rs2492275084, ClinGen allele CA2695200855.
Genomic context (GRCh38, chr10:79,312,721, plus strand): 5'-ATCCTGACGAGCTCCTGTCTTATCTGGACCCCCCCGACCTGCCGAGCAATAGTAACGATG[AC>A]CTCCTGTCTCTATTTGAGAACAACTGAGGGCCACCCGGTCGGGGCCATCCCTCCACACTC-3'

ClinVar aggregate classification (germline): Uncertain significance (1 of 4 stars; one submission).

Conditions:
ZMIZ1-related disorder. Also called: ZMIZ1-related condition.

Submission:

PreventionGenetics, part of Exact Sciences
Classification: Uncertain significance for ZMIZ1-related condition. Last evaluated: 2023-03-31. Review status: criteria provided, single submitter. Criteria: ACMG Guidelines, 2015. Collection method: clinical testing. Allele origin: germline.
Comment: The ZMIZ1 c.3178delC variant is predicted to result in a frameshift and premature protein termination (p.Leu1060Serfs*64). which is predicted to cause a frameshift disrupting the final eight amino acids of coding and resulting in a C-terminal extension (p.Leu1060Serfs*64). To our knowledge, this variant has not been reported in the literature or in a large population database, indicating this variant is rare. Although frameshift variants in ZMIZ1 have been reported as pathogenic, to our knowledge, all have been located upstream of this variant. This variant is located in the final exon and is not predicted to undergo nonsense mediated decay; however, a de novo frameshift variant (c.3112dup (p.Thr1038Asnfs*4)) located upstream of this variant in the final exon has been reported in an individual with syndromic neurodevelopmental disease (Carapito et al. 2019. PubMed ID: 30639322). Although we suspect that this variant may be pathogenic, at this time, the clinical significance of this variant is uncertain due to the absence of conclusive functional and genetic evidence.